The following is an entry in ClinVar:

ClinVar aggregate classification (germline): Uncertain significance (1 of 4 stars; one submission).

Conditions:
Autosomal dominant nonsyndromic hearing loss 65. Also called: Deafness, autosomal dominant 65; TBC1D24-Related Autosomal Dominant Nonsyndromic Hearing Loss (DFNA). Identifiers: Orphanet 90635, MedGen C3892048, MONDO:0014470, OMIM 616044.
Developmental and epileptic encephalopathy, 1 (DEE1). Also called: X-linked infantile spasms; West's syndrome; Tonic spasms with clustering, arrest of psychomotor development and hypsarrhythmia on EEG; X-Linked Infantile Spasm Syndrome; OHTAHARA SYNDROME, X-LINKED; INFANTILE SPASM SYNDROME, X-LINKED 1. Identifiers: MedGen C3463992, MONDO:0010632, OMIM 308350. Disease mechanism: loss of function.

Allele frequency attached by ClinVar (database versions not stated): ExAC 0.00001; gnomAD exomes 0.00001.
gnomAD v4.1: 3 of 1,611,778 alleles (0.00019%); highest among the groups gnomAD compares: Non-Finnish European, 0.00025%; no homozygotes.

Submission:

Labcorp Genetics (formerly Invitae), Labcorp
Classification: Uncertain significance for Developmental and epileptic encephalopathy, 1; Autosomal dominant nonsyndromic hearing loss 65. Last evaluated: 2025-02-26. Review status: criteria provided, single submitter. Criteria: Invitae Variant Classification Sherloc (09022015). Collection method: clinical testing. Allele origin: germline.
Comment: This sequence change replaces valine, which is neutral and non-polar, with isoleucine, which is neutral and non-polar, at codon 345 of the TBC1D24 protein (p.Val345Ile). This variant is present in population databases (rs777515811, gnomAD 0.006%). This variant has not been reported in the literature in individuals affected with TBC1D24-related conditions. ClinVar contains an entry for this variant (Variation ID: 1474921). Invitae Evidence Modeling of protein sequence and biophysical properties (such as structural, functional, and spatial information, amino acid conservation, physicochemical variation, residue mobility, and thermodynamic stability) indicates that this missense variant is not expected to disrupt TBC1D24 protein function with a negative predictive value of 80%. In summary, the available evidence is currently insufficient to determine the role of this variant in disease. Therefore, it has been classified as a Variant of Uncertain Significance.

NM_001199107.2(TBC1D24):c.1033G>A (p.Val345Ile)

Gene: TBC1D24 (TBC1 domain family member 24; plus strand). Cytogenetic location: 16p13.3.
Variant type: single nucleotide variant.
Coding change: c.1033G>A on transcript NM_001199107.2 (MANE Select); coding-DNA position 1033, G replaced by A.
Protein change: p.Val345Ile; replaces valine 345 with isoleucine.
Molecular consequence: missense variant.
Genome position (GRCh38, 1-based): chr16:2,498,287, G>A. VCF-style: chr16-2498287-G-A. GRCh37 (hg19) VCF-style: chr16-2548288-G-A.
Other names: c.1015G>A, p.Val339Ile (NM_020705.3); short protein forms V345I, V339I.
Identifiers: ClinVar variation 1474921 (VCV001474921.6), dbSNP rs777515811, ClinGen allele CA7844140.